The following is an entry in ClinVar:

ClinVar aggregate classification (germline): Benign. Review status: criteria provided, multiple submitters, no conflicts (2 of 4 stars). 3 submissions from 3 submitters: Benign (2). 1 of the submissions does not count toward it. Last evaluated 2021-05-04.

Conditions:
DNAH17-related disorder. Also called: DNAH17-related condition.

Allele frequency attached by ClinVar (database versions not stated): ESP Exome Variant Server 0.14955; TOPMed 0.17544; 1000 Genomes Project 30x 0.22017; 1000 Genomes Project 0.22065.
gnomAD v4.1: 271,838 of 1,613,886 alleles (17%); highest among the groups gnomAD compares: Admixed American, 35%; 25,305 homozygotes.

Submissions (3):

GeneDx
Classification: Benign. Last evaluated: 2021-05-04. Review status: criteria provided, single submitter. Criteria: GeneDx Variant Classification Process June 2021. Collection method: clinical testing. Allele origin: germline. Affected: yes.

Breakthrough Genomics
Classification: Benign. Review status: criteria provided, single submitter. Criteria: ACMG Guidelines, 2015. Collection method: not provided. Allele origin: germline. Inheritance: Autosomal recessive inheritance. Affected: yes.

PreventionGenetics, part of Exact Sciences
Classification: Benign for DNAH17-related condition. Last evaluated: 2019-10-21. Review status: no assertion criteria provided. Collection method: clinical testing. Allele origin: germline. Not counted in ClinVar's aggregate classification.
Comment: This variant is classified as benign based on ACMG/AMP sequence variant interpretation guidelines (Richards et al. 2015 PMID: 25741868, with internal and published modifications).

NM_173628.4(DNAH17):c.9726C>T (p.Cys3242=)

Gene: DNAH17 (dynein axonemal heavy chain 17; minus strand). Cytogenetic location: 17q25.3.
Variant type: single nucleotide variant.
Coding change: c.9726C>T on transcript NM_173628.4 (MANE Select); coding-DNA position 9726, C replaced by T.
Protein change: p.Cys3242=; no amino-acid change (cysteine 3242 retained).
Molecular consequence: synonymous variant.
Genome position (GRCh38, 1-based): chr17:78,459,136, G>A on the plus strand (C>T on the coding strand, the complement: DNAH17 is on the minus strand). VCF-style: chr17-78459136-G-A. GRCh37 (hg19) VCF-style: chr17-76455218-G-A.
Identifiers: ClinVar variation 1294638 (VCV001294638.5), dbSNP rs2289754, ClinGen allele CA8801179.
Genomic context (GRCh38, chr17:78,459,136, plus strand): 5'-CCTCTTGGGCGCCACGTCGCAGTAGACCTCGTAGAAGCGGACGATGTTGATGCACCAGGA[G>A]CACAGGCCGGCGGCGGCCGTGGACTTGGAGCGGATGAACTCGGGGTCGAACGTCGGGTTG-3'
Protein context (NP_775899.3, residues 3232-3252): RSKSTAAAGL[Cys3242=]SWCINIVRFY